The following is an entry in ClinVar:

NM_014727.3(KMT2B):c.3867G>A (p.Thr1289=)

Gene: KMT2B (lysine methyltransferase 2B; plus strand). Cytogenetic location: 19q13.12.
Variant type: single nucleotide variant.
Coding change: c.3867G>A on transcript NM_014727.3 (MANE Select); coding-DNA position 3867, G replaced by A.
Protein change: p.Thr1289=; no amino-acid change (threonine 1289 retained).
Molecular consequence: synonymous variant.
Genome position (GRCh38, 1-based): chr19:35,725,800, G>A. VCF-style: chr19-35725800-G-A. GRCh37 (hg19) VCF-style: chr19-36216701-G-A.
Identifiers: ClinVar variation 723855 (VCV000723855.51), dbSNP rs146372727, ClinGen allele CA9384892.
Genomic context (GRCh38, chr19:35,725,800, plus strand): 5'-GCGCTGCCGCCATGCATACCACCCGGCCTGTCTGGGGCCCAGCTATCCAACCCGGGCCAC[G>A]CGCAAACGGCGCCACTGGGTGAGAGATGAGGTTCACCCACTTGCTTTGTCTCTAATGAAT-3'
Protein context (NP_055542.1, residues 1279-1299): CLGPSYPTRA[Thr1289=]RKRRHWICSA

ClinVar aggregate classification (germline): Benign/Likely benign. Review status: criteria provided, multiple submitters, no conflicts (2 of 4 stars). 4 submissions from 4 submitters: Benign (2); Likely benign (2). Last evaluated 2026-07-01.

Allele frequency attached by ClinVar (database versions not stated): gnomAD exomes 0.00013 and 0.00028; ESP Exome Variant Server 0.00040; ExAC 0.00059; TOPMed 0.00074; gnomAD 0.00080 and 0.00084; 1000 Genomes Project 30x 0.00156; 1000 Genomes Project 0.00160.
gnomAD v4.1: 320 of 1,581,588 alleles (0.02%); highest among the groups gnomAD compares: African/African-American, 0.25%; 2 homozygotes.

Submissions (4):

CeGaT Center for Human Genetics Tuebingen
Classification: Likely benign. Last evaluated: 2026-07-01. Review status: criteria provided, single submitter. Criteria: CeGaT Center For Human Genetics Tuebingen Variant Classification Criteria Version 2. Collection method: clinical testing. Allele origin: germline. Affected: yes. Observed: 2 variant alleles.
Comment: KMT2B: BP4, BP7

Labcorp Genetics (formerly Invitae), Labcorp
Classification: Benign. Last evaluated: 2025-12-21. Review status: criteria provided, single submitter. Criteria: Invitae Variant Classification Sherloc (09022015). Collection method: clinical testing. Allele origin: germline.

Blueprint Genetics
Classification: Likely benign. Last evaluated: 2024-10-25. Review status: criteria provided, single submitter. Criteria: ACMG Guidelines, 2015. Collection method: clinical testing. Allele origin: germline.

GeneDx
Classification: Benign. Last evaluated: 2020-04-06. Review status: criteria provided, single submitter. Criteria: GeneDx Variant Classification Process June 2021. Collection method: clinical testing. Allele origin: germline. Affected: yes.